The following is an entry in ClinVar:

ClinVar aggregate classification (germline): Pathogenic (1 of 4 stars; one submission).

Submission:

Labcorp Genetics (formerly Invitae), Labcorp
Classification: Pathogenic. Last evaluated: 2021-11-28. Review status: criteria provided, single submitter. Criteria: Invitae Variant Classification Sherloc (09022015). Collection method: clinical testing. Allele origin: germline.
Comment: For these reasons, this variant has been classified as Pathogenic. This variant has not been reported in the literature in individuals affected with HPSE2-related conditions. This variant is a gross deletion of the genomic region encompassing exon(s) 4-5 of the HPSE2 gene. This deletion is out-of-frame, and is expected to create a premature termination codon and result in an absent or disrupted protein product. Loss-of-function variants in HPSE2 are known to be pathogenic (PMID: 20560210, 25510506).

Literature cited by the submitters: PubMed 20560210; PubMed 25510506.

NC_000010.10:g.(?_100481394)_(100503833_?)del

Gene: HPSE2 (heparanase 2 (inactive); minus strand). Cytogenetic location: 10q24.2.
Variant type: Deletion.
Identifiers: ClinVar variation 2426683 (VCV002426683.4).